The following is an entry in ClinVar:

NM_000203.5(IDUA):c.494-1G>C

Gene: IDUA (alpha-L-iduronidase; plus strand). Cytogenetic location: 4p16.3.
Variant type: single nucleotide variant.
Coding change: c.494-1G>C on transcript NM_000203.5 (MANE Select); the canonical splice acceptor site of the intron before coding-DNA position 494, G replaced by C.
Molecular consequence: splice acceptor variant.
Genome position (GRCh38, 1-based): chr4:1,001,467, G>C. VCF-style: chr4-1001467-G-C. GRCh37 (hg19) VCF-style: chr4-995255-G-C.
Other names: c.98-1G>C (NM_001363576.1).
Identifiers: ClinVar variation 197644 (VCV000197644.6), dbSNP rs794727701, ClinGen allele CA275298.

ClinVar aggregate classification (germline): Pathogenic. Review status: reviewed by expert panel (3 of 4 stars). 2 submissions from 2 submitters: Pathogenic (1). 1 of the submissions does not count toward it. Last evaluated 2026-08-17.

Conditions:
Mucopolysaccharidosis type 1. Also called: IDUA deficiency; MPS I; Mucopolysaccharidosis Type I. Identifiers: Orphanet 579, MedGen C0023786, MONDO:0001586.

Submissions (2):

ClinGen Lysosomal Storage Disorder Variant Curation Expert Panel
Classification: Pathogenic for Mucopolysaccharidosis type 1. Last evaluated: 2026-08-17. Review status: reviewed by expert panel. Criteria: ClinGen LSD ACMG Specifications IDUA V1.2.0. Collection method: curation. Allele origin: germline. Inheritance: Autosomal recessive inheritance.
Comment: The NM_000203.5:c.494-1G>C variant in IDUA is a canonical splice acceptor variant. This variant is predicted to cause an in-frame deletion of exon 5 including the critical Glu182 residue (PVS1_Strong). Another canonical splice acceptor variant at the same nucleotide (NM_000203.5:c.494-1G>A) has been classified as likely pathogenic and in silico tools give a similar likelihood of each of these variants affecting splicing (PS1). The variant is also absent in gnomAD v4.1.0 (PM2_Supporting). This variant has not been reported previously in the literature. There is an entry for this variant in ClinVar calling it pathogenic (Variation ID 197644). However, it was only reported in three heterozygous cases, presumably unaffected by MPS I. In summary, this variant meets the criteria to be classified as likely pathogenic for MPS I based on the IDUA-specific ACMG/AMP criteria applied, as specified by the ClinGen Lysosomal Diseases Variant Curation Expert Panel (Specifications Version 1.2.0): PVS1_Strong, PS1, PM2_Supporting. (Classification approved by the ClinGen Lysosomal Diseases Variant Curation Expert Panel on August 17, 2026)

Eurofins Ntd Llc (ga)
Classification: Pathogenic. Last evaluated: 2015-06-01. Review status: criteria provided, single submitter. Criteria: EGL Classification Definitions 2015. Collection method: clinical testing. Allele origin: germline. Observed: 3 variant alleles, 3 heterozygotes. Not counted in ClinVar's aggregate classification.